The following is an entry in ClinVar:

ClinVar aggregate classification (germline): Uncertain significance. Review status: criteria provided, multiple submitters, no conflicts (2 of 4 stars). 4 submissions from 4 submitters: Uncertain significance (4). Last evaluated 2024-11-26.

Conditions:
Hereditary cancer-predisposing syndrome. Also called: Hereditary neoplastic syndrome; Neoplastic Syndromes, Hereditary; Tumor predisposition; Hereditary Cancer Syndrome. Identifiers: Orphanet 140162, MedGen C0027672, MeSH D009386, MONDO:0015356.
Hereditary diffuse gastric adenocarcinoma (HDGC). Also called: DIFFUSE GASTRIC AND LOBULAR BREAST CANCER SYNDROME. Identifiers: Orphanet 26106, MedGen C1708349, MONDO:0007648, OMIM 137215.

Allele frequency attached by ClinVar (database versions not stated): gnomAD exomes below 0.00001; TOPMed 0.00001.
gnomAD v4.1: 2 of 1,614,254 alleles (0.00012%); highest among the groups gnomAD compares: Non-Finnish European, 0.00017%; no homozygotes.

Submissions (4):

Color Diagnostics, LLC DBA Color Health
Classification: Uncertain significance for Hereditary cancer-predisposing syndrome. Last evaluated: 2024-11-26. Review status: criteria provided, single submitter. Criteria: ACMG Guidelines, 2015. Collection method: clinical testing. Allele origin: germline.
Comment: This missense variant replaces phenylalanine with leucine at codon 444 of the CDH1 protein. To our knowledge, functional studies have not been reported for this variant. This variant has not been reported in individuals affected with CDH1-related disorders in the literature. This variant has not been identified in the general population by the Genome Aggregation Database (gnomAD). The available evidence is insufficient to determine the role of this variant in disease conclusively. Therefore, this variant is classified as a Variant of Uncertain Significance.

European Reference Network on Genetic Tumour Risk Syndromes (ERN-GENTURIS), i3s - Instituto de Investigação e Inovação em Saúde, University of Porto
Classification: Uncertain significance for Hereditary diffuse gastric adenocarcinoma. Last evaluated: 2022-08-01. Review status: criteria provided, single submitter. Criteria: Lee et al. (Hum Mutat. 2018). Collection method: clinical testing. Allele origin: germline. Inheritance: Autosomal dominant inheritance. Affected: no. Study: ERN GENTURIS.
Comment: PM2 (PMID: 30311375)

Labcorp Genetics (formerly Invitae), Labcorp
Classification: Uncertain significance for Hereditary diffuse gastric adenocarcinoma. Last evaluated: 2020-07-15. Review status: criteria provided, single submitter. Criteria: Invitae Variant Classification Sherloc (09022015). Collection method: clinical testing. Allele origin: germline.
Comment: This sequence change replaces phenylalanine with leucine at codon 444 of the CDH1 protein (p.Phe444Leu). The phenylalanine residue is moderately conserved and there is a small physicochemical difference between phenylalanine and leucine. This variant is not present in population databases (ExAC no frequency) and has not been reported in the literature in individuals with a CDH1-related disease. In summary, this variant is a novel missense change with uncertain impact on protein function. It has been classified as a Variant of Uncertain Significance. Algorithms developed to predict the effect of sequence changes on RNA splicing suggest that this variant may alter RNA splicing, but this prediction has not been confirmed by published transcriptional studies. Algorithms developed to predict the effect of missense changes on protein structure and function do not agree on the potential impact of this missense change (SIFT: "Deleterious"; PolyPhen-2: "Possibly Damaging"; Align-GVGD: "Class C0").

Women's Health and Genetics/Laboratory Corporation of America, LabCorp
Classification: Uncertain significance. Last evaluated: 2019-02-22. Review status: criteria provided, single submitter. Criteria: LabCorp Variant Classification Summary - May 2015. Collection method: clinical testing. Allele origin: germline.
Comment: Variant summary: CDH1 c.1332T>A (p.Phe444Leu) results in a non-conservative amino acid change located in the Cadherin-like domain of the encoded protein sequence. Four of five in-silico tools predict a damaging effect of the variant on protein function. The variant was absent in 277208 control chromosomes. The available data on variant occurrences in the general population are insufficient to allow any conclusion about variant significance. To our knowledge, no occurrence of c.1332T>A in individuals affected with Hereditary Diffuse Gastric Cancer and no experimental evidence demonstrating its impact on protein function have been reported. One clinical diagnostic laboratory has submitted clinical-significance assessments for this variant to ClinVar after 2014 without evidence for independent evaluation and classified the variant as uncertain significance. Based on the evidence outlined above, the variant was classified as uncertain significance.

Literature cited by the submitters: PubMed 36436516 (cited by European Reference Network on Genetic Tumour Risk Syndromes (ERN-GENTURIS), i3s - Instituto de Investigação e Inovação em Saúde, University of Porto).

NM_004360.5(CDH1):c.1332T>A (p.Phe444Leu)

Gene: CDH1 (cadherin 1; plus strand). Cytogenetic location: 16q22.1.
Variant type: single nucleotide variant.
Coding change: c.1332T>A on transcript NM_004360.5 (MANE Select); coding-DNA position 1332, T replaced by A.
Protein change: p.Phe444Leu; replaces phenylalanine 444 with leucine.
Molecular consequence: missense variant. On other transcripts: 5 prime UTR variant (2).
Genome position (GRCh38, 1-based): chr16:68,815,526, T>A. VCF-style: chr16-68815526-T-A. GRCh37 (hg19) VCF-style: chr16-68849429-T-A.
Other names: c.1332T>A (LRG_301t1); c.1149T>A, p.Phe383Leu (NM_001317184.2); c.-217T>A (NM_001317185.2); c.-488T>A (NM_001317186.2); short protein forms F444L, F383L.
Identifiers: ClinVar variation 463711 (VCV000463711.13), dbSNP rs1392114487, ClinGen allele CA396462680.